The following is an entry in ClinVar:

ClinVar aggregate classification (germline): Uncertain significance (1 of 4 stars; one submission).

Allele frequency attached by ClinVar (database versions not stated): gnomAD exomes 0.00001; ExAC 0.00002.
gnomAD v4.1: 3 of 1,613,966 alleles (0.00019%); highest among the groups gnomAD compares: Admixed American, 0.0017%; no homozygotes.

Submission:

Labcorp Genetics (formerly Invitae), Labcorp
Classification: Uncertain significance. Last evaluated: 2022-02-08. Review status: criteria provided, single submitter. Criteria: Invitae Variant Classification Sherloc (09022015). Collection method: clinical testing. Allele origin: germline.
Comment: This variant has not been reported in the literature in individuals affected with MCM4-related conditions. In summary, the available evidence is currently insufficient to determine the role of this variant in disease. Therefore, it has been classified as a Variant of Uncertain Significance. Algorithms developed to predict the effect of missense changes on protein structure and function output the following: SIFT: "Tolerated"; PolyPhen-2: "Benign"; Align-GVGD: "Class C0". The leucine amino acid residue is found in multiple mammalian species, which suggests that this missense change does not adversely affect protein function. This variant is present in population databases (rs773938825, gnomAD 0.003%). This sequence change replaces proline, which is neutral and non-polar, with leucine, which is neutral and non-polar, at codon 24 of the MCM4 protein (p.Pro24Leu).

NM_182746.3(MCM4):c.71C>T (p.Pro24Leu)

Gene: MCM4 (minichromosome maintenance complex component 4; plus strand). Cytogenetic location: 8q11.21.
Variant type: single nucleotide variant.
Coding change: c.71C>T on transcript NM_182746.3 (MANE Select); coding-DNA position 71, C replaced by T.
Protein change: p.Pro24Leu; replaces proline 24 with leucine.
Molecular consequence: missense variant.
Genome position (GRCh38, 1-based): chr8:47,961,516, C>T. VCF-style: chr8-47961516-C-T. GRCh37 (hg19) VCF-style: chr8-48874076-C-T.
Other names: c.71C>T, p.Pro24Leu (NM_005914.4); short protein forms P24L.
Identifiers: ClinVar variation 1493183 (VCV001493183.8), dbSNP rs773938825, ClinGen allele CA4742180.
Genomic context (GRCh38, chr8:47,961,516, plus strand): 5'-AATCCAGGAAGGCCGGCCCTGAAAGTTAATGGCTGTCTTTTCTGTTTTGTGTGACACAAG[C>T]TCGGAGTGAGGATGCCAGGTCATCTCCCTCTCAGAGACGTAGAGGCGAGGATTCCACCTC-3'
Protein context (NP_877423.1, residues 14-34): RRGRATPAQT[Pro24Leu]RSEDARSSPS